The following is an entry in ClinVar:

NM_173630.4(RTTN):c.2601G>A (p.Val867=)

Gene: RTTN (rotatin; minus strand). Cytogenetic location: 18q22.2.
Variant type: single nucleotide variant.
Coding change: c.2601G>A on transcript NM_173630.4 (MANE Select); coding-DNA position 2601, G replaced by A.
Protein change: p.Val867=; no amino-acid change (valine 867 retained).
Molecular consequence: synonymous variant. On other transcripts: intron variant (1).
Genome position (GRCh38, 1-based): chr18:70,140,169, C>T on the plus strand (G>A on the coding strand, the complement: RTTN is on the minus strand). VCF-style: chr18-70140169-C-T. GRCh37 (hg19) VCF-style: chr18-67807405-C-T.
Other names: c.-66-453G>A (NM_001318520.2).
Identifiers: ClinVar variation 1336164 (VCV001336164.6), dbSNP rs2145715138, ClinGen allele CA504324846.

ClinVar aggregate classification (germline): Likely benign. Review status: criteria provided, single submitter (1 of 4 stars). 2 submissions from 2 submitters: Likely benign (1). 1 of the submissions does not count toward it. Last evaluated 2017-08-01.

Conditions:
RTTN-related disorder. Also called: RTTN-related condition.

Allele frequency attached by ClinVar (database versions not stated): gnomAD exomes below 0.00001.
gnomAD v4.1: 2 of 1,584,110 alleles (0.00013%); highest among the groups gnomAD compares: Non-Finnish European, 0.00017%; no homozygotes.

Submissions (2):

Genetic Services Laboratory, University of Chicago
Classification: Likely benign. Last evaluated: 2017-08-01. Review status: criteria provided, single submitter. Criteria: ACMG Guidelines, 2015. Collection method: clinical testing. Allele origin: germline. Affected: no.

PreventionGenetics, part of Exact Sciences
Classification: Likely benign for RTTN-related condition. Last evaluated: 2021-07-13. Review status: no assertion criteria provided. Collection method: clinical testing. Allele origin: germline. Not counted in ClinVar's aggregate classification.
Comment: This variant is classified as likely benign based on ACMG/AMP sequence variant interpretation guidelines (Richards et al. 2015 PMID: 25741868, with internal and published modifications).